The following is an entry in ClinVar:

ClinVar aggregate classification (germline): Benign. Review status: criteria provided, multiple submitters, no conflicts (2 of 4 stars). 2 submissions from 2 submitters: Benign (2). Last evaluated 2018-06-19.

Allele frequency attached by ClinVar (database versions not stated): 1000 Genomes Project 0.15515; 1000 Genomes Project 30x 0.16146; gnomAD exomes 0.16967; gnomAD 0.20349 and 0.21202; TOPMed 0.20448.

Submissions (2):

GeneDx
Classification: Benign. Last evaluated: 2018-06-19. Review status: criteria provided, single submitter. Criteria: GeneDx Variant Classification (06012015). Collection method: clinical testing. Allele origin: germline. Affected: yes.
Comment: This variant is considered likely benign or benign based on one or more of the following criteria: it is a conservative change, it occurs at a poorly conserved position in the protein, it is predicted to be benign by multiple in silico algorithms, and/or has population frequency not consistent with disease.

Breakthrough Genomics
Classification: Benign. Review status: criteria provided, single submitter. Criteria: ACMG Guidelines, 2015. Collection method: not provided. Allele origin: germline. Inheritance: Autosomal dominant inheritance. Affected: yes.

NM_003476.5(CSRP3):c.509-110T>C

Gene: CSRP3 (cysteine and glycine rich protein 3; minus strand). Cytogenetic location: 11p15.1.
Variant type: single nucleotide variant.
Coding change: c.509-110T>C on transcript NM_003476.5 (MANE Select); 110 bases into the intron before coding-DNA position 509, T replaced by C.
Molecular consequence: intron variant.
Genome position (GRCh38, 1-based): chr11:19,182,856, A>G on the plus strand (T>C on the coding strand, the complement: CSRP3 is on the minus strand). VCF-style: chr11-19182856-A-G. GRCh37 (hg19) VCF-style: chr11-19204403-A-G.
Other names: c.340-110T>C (NM_001369404.1).
Identifiers: ClinVar variation 672516 (VCV000672516.2), dbSNP rs45549043, ClinGen allele CA13375686.
Genomic context (GRCh38, chr11:19,182,856, plus strand): 5'-ATTTTTTTCAGGGCTTTCTGTCTGAGCACAGTCCTTTTAATTATTAGAGACATCCTTTTG[A>G]TAGATTTATGCATAAGTTCGCCAGGCACGGTGGCTCATGCCTGTAATCCCAGCACTTTGG-3'